The following is an entry in ClinVar:

ClinVar aggregate classification (germline): Benign (1 of 4 stars; one submission).

Conditions:
Lynch syndrome 5 (LYNCH5). Also called: Colorectal cancer, hereditary nonpolyposis, type 5; Hereditary non-polyposis colorectal cancer, type 5. Identifiers: Orphanet 144, MedGen C1833477, MONDO:0013710, OMIM 614350. Disease mechanism: loss of function.

gnomAD v4.1: 1 of 1,614,170 alleles (0.000062%); no homozygotes.

Submission:

Myriad Genetics, Inc.
Classification: Benign for Lynch syndrome 5. Last evaluated: 2024-12-26. Review status: criteria provided, single submitter. Criteria: Myriad Autosomal Dominant, Autosomal Recessive and X-Linked Classification Criteria (2023). Collection method: clinical testing. Allele origin: unknown.
Comment: This variant is considered benign. This variant is a silent/synonymous amino acid change and it is not expected to impact splicing.

NM_000179.3(MSH6):c.1425G>A (p.Gln475=)

Gene: MSH6 (mutS homolog 6; plus strand). Cytogenetic location: 2p16.3.
Variant type: single nucleotide variant.
Coding change: c.1425G>A on transcript NM_000179.3 (MANE Select); coding-DNA position 1425, G replaced by A.
Protein change: p.Gln475=; no amino-acid change (glutamine 475 retained).
Molecular consequence: synonymous variant. On other transcripts: non-coding transcript variant (4), intron variant (1).
Genome position (GRCh38, 1-based): chr2:47,799,408, G>A. VCF-style: chr2-47799408-G-A. GRCh37 (hg19) VCF-style: chr2-48026547-G-A.
Other names: c.1035G>A, p.Gln345= (NM_001281492.2); c.519G>A, p.Gln173= (NM_001281493.2, NM_001281494.2, NM_001406811.1 and 6 more transcripts); c.1521G>A, p.Gln507= (NM_001406795.1, NM_001406802.1); c.1425G>A, p.Gln475= (NM_001406796.1, NM_001406798.1, NM_001406800.1 and 4 more transcripts); c.1128G>A, p.Gln376= (NM_001406797.1, NM_001406801.1, NM_001406805.1 and 10 more transcripts); c.900G>A, p.Gln300= (NM_001406799.1, NM_001406806.1, NM_001406807.1); c.1347G>A, p.Gln449= (NM_001406804.1); c.1431G>A, p.Gln477= (NM_001406813.1); and 2 more.
Identifiers: ClinVar variation 3903927 (VCV003903927.1).